The following is an entry in ClinVar:

ClinVar aggregate classification (germline): Benign. Review status: criteria provided, single submitter (1 of 4 stars). 2 submissions from 2 submitters: Benign (1). 1 of the submissions does not count toward it. Last evaluated 2025-07-06.

Conditions:
Alpha-1-antitrypsin deficiency (A1ATD). Also called: Alpha1-Antitrypsin Deficiency; AAT deficiency; A1AT deficiency. Identifiers: Orphanet 60, MedGen C0221757, MONDO:0013282, OMIM 613490.
SERPINA1-related disorder. Also called: SerpinA1-related disorders; SERPINA1-related condition.

Allele frequency attached by ClinVar (database versions not stated): ExAC 0.00002; gnomAD exomes 0.00003 and 0.00004.

Submissions (2):

Labcorp Genetics (formerly Invitae), Labcorp
Classification: Benign for Alpha-1-antitrypsin deficiency. Last evaluated: 2025-07-06. Review status: criteria provided, single submitter. Criteria: Invitae Variant Classification Sherloc (09022015). Collection method: clinical testing. Allele origin: germline.

PreventionGenetics, part of Exact Sciences
Classification: Benign for SERPINA1-related condition. Last evaluated: 2020-04-28. Review status: no assertion criteria provided. Collection method: clinical testing. Allele origin: germline. Not counted in ClinVar's aggregate classification.
Comment: This variant is classified as benign based on ACMG/AMP sequence variant interpretation guidelines (Richards et al. 2015 PMID: 25741868, with internal and published modifications).

NM_000295.5(SERPINA1):c.1029C>T (p.Ser343=)

Gene: SERPINA1 (serpin family A member 1; minus strand). Cytogenetic location: 14q32.13.
Variant type: single nucleotide variant.
Coding change: c.1029C>T on transcript NM_000295.5 (MANE Select); coding-DNA position 1029, C replaced by T.
Protein change: p.Ser343=; no amino-acid change (serine 343 retained).
Molecular consequence: synonymous variant.
Genome position (GRCh38, 1-based): chr14:94,379,500, G>A on the plus strand (C>T on the coding strand, the complement: SERPINA1 is on the minus strand). VCF-style: chr14-94379500-G-A. GRCh37 (hg19) VCF-style: chr14-94845837-G-A.
Other names: c.1029C>T (NM_000295.4); c.1029C>T, p.Ser343= (NM_001002235.3, NM_001002236.3, NM_001127700.2 and 7 more transcripts).
Identifiers: ClinVar variation 1166639 (VCV001166639.11), dbSNP rs760494093, ClinGen allele CA7327331.